The following is an entry in ClinVar:

ClinVar aggregate classification (germline): Uncertain significance (1 of 4 stars; one submission).

Conditions:
Congenital contractural arachnodactyly (CCA). Also called: BEALS SYNDROME; Arthrogryposis, distal, type 9; Beals-Hecht syndrome. Identifiers: Orphanet 115, MedGen C0220668, MONDO:0007363, OMIM 121050.

Submission:

OLLIN Analises Genomicas, OLLIN
Classification: Uncertain significance for Congenital contractural arachnodactyly. Last evaluated: 2026-02-13. Review status: criteria provided, single submitter. Criteria: ACMG Guidelines 2015 PMID 25741868. Collection method: clinical testing. Allele origin: germline. Observed: 1 variant allele.
Comment: PM2_P, PP2

NM_001999.4(FBN2):c.7876C>A (p.His2626Asn)

Gene: FBN2 (fibrillin 2; minus strand). Cytogenetic location: 5q23.3.
Variant type: single nucleotide variant.
Coding change: c.7876C>A on transcript NM_001999.4 (MANE Select); coding-DNA position 7876, C replaced by A.
Protein change: p.His2626Asn; replaces histidine 2626 with asparagine.
Molecular consequence: missense variant.
Genome position (GRCh38, 1-based): chr5:128,272,083, G>T on the plus strand (C>A on the coding strand, the complement: FBN2 is on the minus strand). VCF-style: chr5-128272083-G-T. GRCh37 (hg19) VCF-style: chr5-127607775-G-T.
Other names: short protein forms H2626N.
Identifiers: ClinVar variation 4814077 (VCV004814077.1).
Genomic context (GRCh38, chr5:128,272,083, plus strand): 5'-GCTGGATGTAGCCTTGGGGGCAGCCACATCTGTAGCCACCCAGGATGTTCTGGCAGCCGT[G>T]TTGGCACCTGTGGTTCCCATCACATTCATCAACATCTGCAAAAACAAGCCCGGCAAAACC-3'
Protein context (NP_001990.2, residues 2616-2636): DECDGNHRCQ[His2626Asn]GCQNILGGYR